The following is an entry in ClinVar:

NM_004973.4(JARID2):c.826A>G (p.Thr276Ala)

Gene: JARID2 (jumonji and AT-rich interaction domain containing 2; plus strand). Cytogenetic location: 6p22.3.
Variant type: single nucleotide variant.
Coding change: c.826A>G on transcript NM_004973.4 (MANE Select); coding-DNA position 826, A replaced by G.
Protein change: p.Thr276Ala; replaces threonine 276 with alanine.
Molecular consequence: missense variant.
Genome position (GRCh38, 1-based): chr6:15,487,462, A>G. VCF-style: chr6-15487462-A-G. GRCh37 (hg19) VCF-style: chr6-15487693-A-G.
Other names: c.310A>G, p.Thr104Ala (NM_001267040.1); short protein forms T104A, T276A.
Identifiers: ClinVar variation 5008603 (VCV005008603.1).
Genomic context (GRCh38, chr6:15,487,462, plus strand): 5'-CACCGGGCTGACAGCCGCCGGGAGCAGGCTTCAGCTAACCACCCCGCAGCGGCCCCCTCC[A>G]CGGGTTCCTCGGCCAAGGGGCTTGCTGCCACCCATCACCACCCCCCTCTGCATCGGTCGG-3'
Protein context (NP_004964.2, residues 266-286): SANHPAAAPS[Thr276Ala]GSSAKGLAAT

ClinVar aggregate classification (germline): Uncertain significance (1 of 4 stars; one submission).

gnomAD v4.1: 1 of 1,614,174 alleles (0.000062%); highest among the groups gnomAD compares: African/African-American, 0.0013%; no homozygotes.

Submission:

GeneDx
Classification: Uncertain significance. Last evaluated: 2026-02-19. Review status: criteria provided, single submitter. Criteria: GeneDx Variant Classification Process June 2021. Collection method: clinical testing. Allele origin: germline.
Comment: Not observed at significant frequency in large population cohorts (gnomAD); In silico analysis suggests that this missense variant does not alter protein structure/function; Has not been previously published as pathogenic or benign to our knowledge